The following is an entry in ClinVar:

ClinVar aggregate classification (germline): Uncertain significance. Review status: criteria provided, multiple submitters, no conflicts (2 of 4 stars). 5 submissions from 5 submitters: Uncertain significance (5). Last evaluated 2025-06-16.

Conditions:
Familial adenomatous polyposis 1 (FAP1). Also called: FAMILIAL ADENOMATOUS POLYPOSIS 1, ATTENUATED; POLYPOSIS, ADENOMATOUS INTESTINAL. Identifiers: MedGen C2713442, MONDO:0021056, OMIM 175100. Disease mechanism: loss of function.
Classic or attenuated familial adenomatous polyposis. Identifiers: MedGen CN372698, MONDO:0021057.
Hereditary cancer-predisposing syndrome. Also called: Neoplastic Syndromes, Hereditary; Hereditary Cancer Syndrome; Tumor predisposition; Hereditary neoplastic syndrome. Identifiers: Orphanet 140162, MedGen C0027672, MeSH D009386, MONDO:0015356.

Allele frequency attached by ClinVar (database versions not stated): gnomAD exomes below 0.00001; TOPMed below 0.00001.
gnomAD v4.1: 1 of 1,613,872 alleles (0.000062%); highest among the groups gnomAD compares: Non-Finnish European, 0.000085%; no homozygotes.

Submissions (5):

Ambry Genetics
Classification: Uncertain significance for Hereditary cancer-predisposing syndrome. Last evaluated: 2025-06-16. Review status: criteria provided, single submitter. Criteria: Ambry Variant Classification Scheme 2023. Collection method: clinical testing. Allele origin: germline.
Comment: The p.T872A variant (also known as c.2614A>G), located in coding exon 15 of the APC gene, results from an A to G substitution at nucleotide position 2614. The threonine at codon 872 is replaced by alanine, an amino acid with similar properties. This amino acid position is not well conserved in available vertebrate species. In addition, in silico predictors for this gene do not accurately predict pathogenicity. Since supporting evidence is limited at this time, the clinical significance of this alteration remains unclear.

Unidad de Genética Molecular HGU Elche, Hospital General Universitario de Elche
Classification: Uncertain significance for Hereditary cancer-predisposing syndrome. Last evaluated: 2025-05-05. Review status: criteria provided, single submitter. Criteria: ACMG Guidelines, 2015. Collection method: clinical testing. Allele origin: germline. Affected: yes.
Comment: PM2 strong; BP4 supporting

Color Diagnostics, LLC DBA Color Health
Classification: Uncertain significance for Hereditary cancer-predisposing syndrome. Last evaluated: 2025-04-28. Review status: criteria provided, single submitter. Criteria: ACMG Guidelines, 2015. Collection method: clinical testing. Allele origin: germline.
Comment: This missense variant replaces threonine with alanine at codon 872 of the APC protein. Computational prediction suggests that this variant may not impact protein structure and function. To our knowledge, functional studies have not been reported for this variant. This variant has not been reported in individuals affected with APC-related disorders in the literature. This variant has not been identified in the general population by the Genome Aggregation Database (gnomAD). The available evidence is insufficient to determine the role of this variant in disease conclusively. Therefore, this variant is classified as a Variant of Uncertain Significance.

Labcorp Genetics (formerly Invitae), Labcorp
Classification: Uncertain significance for Familial adenomatous polyposis 1. Last evaluated: 2025-04-13. Review status: criteria provided, single submitter. Criteria: Invitae Variant Classification Sherloc (09022015). Collection method: clinical testing. Allele origin: germline.
Comment: This sequence change replaces threonine, which is neutral and polar, with alanine, which is neutral and non-polar, at codon 872 of the APC protein (p.Thr872Ala). This variant is not present in population databases (gnomAD no frequency). This variant has not been reported in the literature in individuals affected with APC-related conditions. ClinVar contains an entry for this variant (Variation ID: 583163). Invitae Evidence Modeling of protein sequence and biophysical properties (such as structural, functional, and spatial information, amino acid conservation, physicochemical variation, residue mobility, and thermodynamic stability) indicates that this missense variant is not expected to disrupt APC protein function with a negative predictive value of 95%. In summary, the available evidence is currently insufficient to determine the role of this variant in disease. Therefore, it has been classified as a Variant of Uncertain Significance.

All of Us Research Program, National Institutes of Health
Classification: Uncertain significance for Classic or attenuated familial adenomatous polyposis. Last evaluated: 2023-02-24. Review status: criteria provided, single submitter. Criteria: ACMG Guidelines, 2015. Collection method: clinical testing. Allele origin: germline. Inheritance: Autosomal dominant inheritance. Observed: 1 variant allele, 1 heterozygote.
Comment: This missense variant replaces threonine with alanine at codon 872 of the APC protein. Computational prediction suggests that this variant may not impact protein structure and function (internally defined REVEL score threshold <= 0.5, PMID: 27666373). To our knowledge, functional studies have not been reported for this variant. This variant has not been reported in individuals affected with APC-related disorders in the literature. This variant has not been identified in the general population by the Genome Aggregation Database (gnomAD). The available evidence is insufficient to determine the role of this variant in disease conclusively. Therefore, this variant is classified as a Variant of Uncertain Significance.

This study involves interpretation of variants in research participants for the purpose of population health screening. Participant phenotype was not available at the time of variant classification. Additional details can be found in publication PMID: 35346344, PMCID: PMC8962531

NM_000038.6(APC):c.2614A>G (p.Thr872Ala)

Gene: APC (APC regulator of Wnt signaling pathway; plus strand). Cytogenetic location: 5q22.2.
Variant type: single nucleotide variant.
Coding change: c.2614A>G on transcript NM_000038.6 (MANE Select); coding-DNA position 2614, A replaced by G.
Protein change: p.Thr872Ala; replaces threonine 872 with alanine.
Molecular consequence: missense variant.
Genome position (GRCh38, 1-based): chr5:112,838,208, A>G. VCF-style: chr5-112838208-A-G. GRCh37 (hg19) VCF-style: chr5-112173905-A-G.
Other names: c.2614A>G, p.Thr872Ala (NM_001127510.3, NM_001354895.2); c.2560A>G, p.Thr854Ala (NM_001127511.3); c.2668A>G, p.Thr890Ala (NM_001354896.2); c.2644A>G, p.Thr882Ala (NM_001354897.2); c.2539A>G, p.Thr847Ala (NM_001354898.2); c.2530A>G, p.Thr844Ala (NM_001354899.2); c.2491A>G, p.Thr831Ala (NM_001354900.2); c.2437A>G, p.Thr813Ala (NM_001354901.2); and 5 more; short protein forms T854A, T872A, T712A, T771A, T831A, T746A, T781A, T813A.
Identifiers: ClinVar variation 583163 (VCV000583163.17), dbSNP rs1060503294, ClinGen allele CA16027052.